The following is an entry in ClinVar:

NC_000008.10:g.(?_145736809)_(145739102_?)dup

Gene: RECQL4 (RecQ like helicase 4; minus strand). Cytogenetic location: 8q24.3.
Variant type: Duplication.
Identifiers: ClinVar variation 529111 (VCV000529111.2).

ClinVar aggregate classification (germline): Uncertain significance (1 of 4 stars; one submission).

Conditions:
Baller-Gerold syndrome (BGS). Also called: CRANIOSYNOSTOSIS WITH RADIAL DEFECTS. Identifiers: Orphanet 1225, MedGen C0265308, MONDO:0009039, OMIM 218600.

Submission:

Labcorp Genetics (formerly Invitae), Labcorp
Classification: Uncertain significance for Baller-Gerold syndrome. Last evaluated: 2019-02-25. Review status: criteria provided, single submitter. Criteria: Invitae Variant Classification Sherloc (09022015). Collection method: clinical testing. Allele origin: germline.
Comment: This variant results in a copy number gain of the genomic region encompassing exons 13-21 of the RECQL4 gene. The 5' boundary is likely confined to intron 12. The 3' end of this event is unknown as it extends beyond the assayed region for this gene and therefore may encompass additional genes. As the precise location of this event is unknown, it may be in tandem or it may be located elsewhere in the genome. This variant has not been reported in the literature in individuals with RECQL4-related conditions. In summary, the available evidence is currently insufficient to determine the role of this variant in disease. Therefore, it has been classified as a Variant of Uncertain Significance.